The following is an entry in ClinVar:

ClinVar aggregate classification (germline): Uncertain significance. Review status: criteria provided, multiple submitters, no conflicts (2 of 4 stars). 2 submissions from 2 submitters: Uncertain significance (2). Last evaluated 2024-03-20.

Conditions:
Familial adenomatous polyposis 1 (FAP1). Also called: POLYPOSIS, ADENOMATOUS INTESTINAL; FAMILIAL ADENOMATOUS POLYPOSIS 1, ATTENUATED. Identifiers: MedGen C2713442, MONDO:0021056, OMIM 175100. Disease mechanism: loss of function.
Hereditary cancer-predisposing syndrome. Also called: Neoplastic Syndromes, Hereditary; Tumor predisposition; Hereditary neoplastic syndrome; Hereditary Cancer Syndrome. Identifiers: Orphanet 140162, MedGen C0027672, MeSH D009386, MONDO:0015356.

Submissions (2):

Labcorp Genetics (formerly Invitae), Labcorp
Classification: Uncertain significance for Familial adenomatous polyposis 1. Last evaluated: 2024-03-20. Review status: criteria provided, single submitter. Criteria: Invitae Variant Classification Sherloc (09022015). Collection method: clinical testing. Allele origin: germline.
Comment: This sequence change replaces glycine, which is neutral and non-polar, with aspartic acid, which is acidic and polar, at codon 2264 of the APC protein (p.Gly2264Asp). This variant is not present in population databases (gnomAD no frequency). This variant has not been reported in the literature in individuals affected with APC-related conditions. Advanced modeling of protein sequence and biophysical properties (such as structural, functional, and spatial information, amino acid conservation, physicochemical variation, residue mobility, and thermodynamic stability) performed at Invitae indicates that this missense variant is not expected to disrupt APC protein function with a negative predictive value of 95%. In summary, the available evidence is currently insufficient to determine the role of this variant in disease. Therefore, it has been classified as a Variant of Uncertain Significance.

Ambry Genetics
Classification: Uncertain significance for Hereditary cancer-predisposing syndrome. Last evaluated: 2024-03-02. Review status: criteria provided, single submitter. Criteria: Ambry Variant Classification Scheme 2023. Collection method: clinical testing. Allele origin: germline.
Comment: The p.G2264D variant (also known as c.6791G>A), located in coding exon 15 of the APC gene, results from a G to A substitution at nucleotide position 6791. The glycine at codon 2264 is replaced by aspartic acid, an amino acid with similar properties. This amino acid position is conserved. In addition, in silico predictors for this gene do not accurately predict pathogenicity. Based on the available evidence, the clinical significance of this alteration remains unclear.

NM_000038.6(APC):c.6791G>A (p.Gly2264Asp)

Gene: APC (APC regulator of Wnt signaling pathway; plus strand). Cytogenetic location: 5q22.2.
Variant type: single nucleotide variant.
Coding change: c.6791G>A on transcript NM_000038.6 (MANE Select); coding-DNA position 6791, G replaced by A.
Protein change: p.Gly2264Asp; replaces glycine 2264 with aspartic acid.
Molecular consequence: missense variant. On other transcripts: non-coding transcript variant (2).
Genome position (GRCh38, 1-based): chr5:112,842,385, G>A. VCF-style: chr5-112842385-G-A. GRCh37 (hg19) VCF-style: chr5-112178082-G-A.
Other names: c.6791G>A, p.Gly2264Asp (NM_001127510.3, NM_001354895.2, NM_001407450.1); c.6737G>A, p.Gly2246Asp (NM_001127511.3); c.6845G>A, p.Gly2282Asp (NM_001354896.2, NM_001407447.1, NM_001407448.1 and 1 more transcripts); c.6821G>A, p.Gly2274Asp (NM_001354897.2); c.6716G>A, p.Gly2239Asp (NM_001354898.2); c.6707G>A, p.Gly2236Asp (NM_001354899.2); c.6668G>A, p.Gly2223Asp (NM_001354900.2); c.6614G>A, p.Gly2205Asp (NM_001354901.2, NM_001407453.1); and 11 more; short protein forms G1880D, G1981D, G2104D, G2135D, G2138D, G2163D, G2173D, G2181D.
Identifiers: ClinVar variation 3231027 (VCV003231027.3), dbSNP rs1377049989, ClinGen allele CA16036163.
Genomic context (GRCh38, chr5:112,842,385, plus strand): 5'-GTCCTGTTTCTAAAAAAGGCCCACCCCTTAAGACTCCAGCCTCCAAAAGCCCTAGTGAAG[G>A]TCAAACAGCCACCACTTCTCCTAGAGGAGCCAAGCCATCTGTGAAATCAGAATTAAGCCC-3'
Protein context (NP_000029.2, residues 2254-2274): KTPASKSPSE[Gly2264Asp]QTATTSPRGA